The following is an entry in ClinVar:

NM_001384732.1(CPLANE1):c.8410C>T (p.Pro2804Ser)

Gene: CPLANE1 (ciliogenesis and planar polarity effector complex subunit 1; minus strand). Cytogenetic location: 5p13.2.
Variant type: single nucleotide variant.
Coding change: c.8410C>T on transcript NM_001384732.1 (MANE Select); coding-DNA position 8410, C replaced by T.
Protein change: p.Pro2804Ser; replaces proline 2804 with serine.
Molecular consequence: missense variant.
Genome position (GRCh38, 1-based): chr5:37,148,232, G>A on the plus strand (C>T on the coding strand, the complement: CPLANE1 is on the minus strand). VCF-style: chr5-37148232-G-A. GRCh37 (hg19) VCF-style: chr5-37148334-G-A.
Other names: c.8248C>T, p.Pro2750Ser (NM_023073.4); short protein forms P2750S, P2804S.
Identifiers: ClinVar variation 1629876 (VCV001629876.9), dbSNP rs377107065, ClinGen allele CA3237790.

ClinVar aggregate classification (germline): Conflicting classifications of pathogenicity. Review status: criteria provided, conflicting classifications (1 of 4 stars). 2 submissions from 2 submitters: Uncertain significance (1); Likely benign (1). Last evaluated 2025-10-23.

Allele frequency attached by ClinVar (database versions not stated): TOPMed 0.00005; gnomAD exomes 0.00013 and 0.00012; gnomAD 0.00005 and 0.00004; ESP Exome Variant Server 0.00008; ExAC 0.00012.

Submissions (2):

Labcorp Genetics (formerly Invitae), Labcorp
Classification: Likely benign. Last evaluated: 2025-10-23. Review status: criteria provided, single submitter. Criteria: Invitae Variant Classification Sherloc (09022015). Collection method: clinical testing. Allele origin: germline.

Women's Health and Genetics/Laboratory Corporation of America, LabCorp
Classification: Uncertain significance. Last evaluated: 2022-05-17. Review status: criteria provided, single submitter. Criteria: LabCorp Variant Classification Summary - May 2015. Collection method: clinical testing. Allele origin: germline.
Comment: Variant summary: CPLANE1 c.8248C>T (p.Pro2750Ser) results in a non-conservative amino acid change in the encoded protein sequence. Four of five in-silico tools predict a benign effect of the variant on protein function. The variant allele was found at a frequency of 0.00013 in 250244 control chromosomes. This frequency is not significantly higher than expected for a pathogenic variant in CPLANE1 causing Joubert Syndrome And Related Disorders (0.00013 vs 0.0015), allowing no conclusion about variant significance. c.8248C>T has been reported in the literature in one individual affected with Joubert Syndrome. This report does not provide unequivocal conclusions about association of the variant with Joubert Syndrome And Related Disorders. To our knowledge, no experimental evidence demonstrating an impact on protein function has been reported. One clinical diagnostic laboratory has submitted clinical-significance assessments for this variant to ClinVar after 2014 without evidence for independent evaluation and classified the variant as likely benign. Based on the evidence outlined above, the variant was classified as uncertain significance.

Literature cited by the submitters: PubMed 25920555 (cited by Women's Health and Genetics/Laboratory Corporation of America, LabCorp).